The following is an entry in ClinVar:

ClinVar aggregate classification (germline): Uncertain significance (1 of 4 stars; one submission).

Allele frequency attached by ClinVar (database versions not stated): gnomAD 0.00004 and 0.00005; gnomAD exomes 0.00004 and 0.00007; ExAC 0.00006; TOPMed 0.00007; ESP Exome Variant Server 0.00015.
gnomAD v4.1: 73 of 1,614,026 alleles (0.0045%); highest among the groups gnomAD compares: Middle Eastern, 0.016%; no homozygotes.

Submission:

Labcorp Genetics (formerly Invitae), Labcorp
Classification: Uncertain significance. Last evaluated: 2022-10-05. Review status: criteria provided, single submitter. Criteria: Invitae Variant Classification Sherloc (09022015). Collection method: clinical testing. Allele origin: germline.
Comment: In summary, the available evidence is currently insufficient to determine the role of this variant in disease. Therefore, it has been classified as a Variant of Uncertain Significance. Algorithms developed to predict the effect of missense changes on protein structure and function output the following: SIFT: "Tolerated"; PolyPhen-2: "Benign"; Align-GVGD: "Class C0". The leucine amino acid residue is found in multiple mammalian species, which suggests that this missense change does not adversely affect protein function. ClinVar contains an entry for this variant (Variation ID: 1058358). This variant has not been reported in the literature in individuals affected with AHR-related conditions. This variant is present in population databases (rs140760845, gnomAD 0.04%). This sequence change replaces serine, which is neutral and polar, with leucine, which is neutral and non-polar, at codon 522 of the AHR protein (p.Ser522Leu).

NM_001621.5(AHR):c.1565C>T (p.Ser522Leu)

Gene: AHR (aryl hydrocarbon receptor; plus strand). Cytogenetic location: 7p21.1.
Variant type: single nucleotide variant.
Coding change: c.1565C>T on transcript NM_001621.5 (MANE Select); coding-DNA position 1565, C replaced by T.
Protein change: p.Ser522Leu; replaces serine 522 with leucine.
Molecular consequence: missense variant.
Genome position (GRCh38, 1-based): chr7:17,339,390, C>T. VCF-style: chr7-17339390-C-T. GRCh37 (hg19) VCF-style: chr7-17379014-C-T.
Other names: short protein forms S522L.
Identifiers: ClinVar variation 1058358 (VCV001058358.7), dbSNP rs140760845, ClinGen allele CA4172148.